The following is an entry in ClinVar:

ClinVar aggregate classification (germline): Uncertain significance (1 of 4 stars; one submission).

Submission:

Labcorp Genetics (formerly Invitae), Labcorp
Classification: Uncertain significance. Last evaluated: 2025-08-27. Review status: criteria provided, single submitter. Criteria: Invitae Variant Classification Sherloc (09022015). Collection method: clinical testing. Allele origin: germline.
Comment: This sequence change creates a premature translational stop signal (p.Lys571Glnfs*13) in the RASA2 gene. It is expected to result in an absent or disrupted protein product. However, the current clinical and genetic evidence is not sufficient to establish whether loss-of-function variants in RASA2 cause disease. This variant is not present in population databases (gnomAD no frequency). This variant has not been reported in the literature in individuals affected with RASA2-related conditions. ClinVar contains an entry for this variant (Variation ID: 3701176). In summary, the available evidence is currently insufficient to determine the role of this variant in disease. Therefore, it has been classified as a Variant of Uncertain Significance.

NM_006506.5(RASA2):c.1709dup (p.Lys571fs)

Gene: RASA2 (RAS p21 protein activator 2; plus strand). Cytogenetic location: 3q23.
Variant type: Duplication.
Coding change: c.1709dup on transcript NM_006506.5 (MANE Select); coding-DNA position 1709, one base duplicated (T; older notation c.1709dupT).
Protein change: p.Lys571fs; shifts the reading frame from lysine 571.
Molecular consequence: frameshift variant.
Genome position (GRCh38, 1-based): chr3:141,581,134, T duplicated; the last of 5 consecutive T bases (chr3:141,581,130-141,581,134); duplicating any one gives the same sequence. VCF-style (leftmost placement, unchanged base first): chr3-141581129-A-AT. GRCh37 (hg19) VCF-style: chr3-141299971-A-AT.
Other names: c.1709dup, p.Lys571fs (NM_001303245.3, NM_001303246.3); short protein forms K571fs.
Identifiers: ClinVar variation 3701176 (VCV003701176.2).